The following is an entry in ClinVar:

NM_003482.4(KMT2D):c.8564C>A (p.Ala2855Glu)

Gene: KMT2D (lysine methyltransferase 2D; minus strand). Cytogenetic location: 12q13.12.
Variant type: single nucleotide variant.
Coding change: c.8564C>A on transcript NM_003482.4 (MANE Select); coding-DNA position 8564, C replaced by A.
Protein change: p.Ala2855Glu; replaces alanine 2855 with glutamic acid.
Molecular consequence: missense variant.
Genome position (GRCh38, 1-based): chr12:49,038,792, G>T on the plus strand (C>A on the coding strand, the complement: KMT2D is on the minus strand). VCF-style: chr12-49038792-G-T. GRCh37 (hg19) VCF-style: chr12-49432575-G-T.
Other names: short protein forms A2855E.
Identifiers: ClinVar variation 4527067 (VCV004527067.1).

ClinVar aggregate classification (germline): Likely benign (1 of 4 stars; one submission).

Submission:

GeneDx
Classification: Likely benign. Last evaluated: 2025-05-07. Review status: criteria provided, single submitter. Criteria: GeneDx Variant Classification Process June 2021. Collection method: clinical testing. Allele origin: germline. Affected: yes.
Comment: See Variant Classification Assertion Criteria.